The following is an entry in ClinVar:

NM_000451.4(SHOX):c.577G>A (p.Ala193Thr)

Gene: SHOX (SHOX homeobox; plus strand). Cytogenetic location: Xp22.33.
Variant type: single nucleotide variant.
Coding change: c.577G>A on transcript NM_000451.4 (MANE Select); coding-DNA position 577, G replaced by A.
Protein change: p.Ala193Thr; replaces alanine 193 with threonine.
Molecular consequence: missense variant.
Genome position (GRCh38, 1-based): chrX:641,031, G>A. VCF-style: chrX-641031-G-A. GRCh37 (hg19) VCF-style: chrX-601766-G-A.
Other names: c.577G>A, p.Ala193Thr (NM_006883.2); short protein forms A193T.
Identifiers: ClinVar variation 287763 (VCV000287763.8), dbSNP rs376330042, ClinGen allele CA10330066.

ClinVar aggregate classification (germline): Conflicting classifications of pathogenicity. Review status: criteria provided, conflicting classifications (1 of 4 stars). 3 submissions from 3 submitters: Uncertain significance (2); Likely benign (1). Last evaluated 2022-03-24.

Conditions:
Leri-Weill dyschondrosteosis (LWD). Also called: DYSCHONDROSTEOSIS; Leri-Weill Dyschondrosteosis (LWD); Léri-Weill dyschondrosteosis. Identifiers: Orphanet 240, MedGen C0265309, MONDO:0007481, OMIM 127300.
Langer mesomelic dysplasia syndrome (LMD). Also called: DYSCHONDROSTEOSIS, HOMOZYGOUS; Langer mesomelic dysplasia. Identifiers: Orphanet 2632, MedGen C0432230, MONDO:0009588, OMIM 249700.
SHOX-related short stature. Also called: SHORT STATURE, IDIOPATHIC, X-LINKED. Identifiers: Orphanet 314795, MedGen C1845118, MONDO:0010367, OMIM 300582. Disease mechanism: loss of function.

Allele frequency attached by ClinVar (database versions not stated): ExAC 0.00007; gnomAD 0.00018; 1000 Genomes Project 0.00053; 1000 Genomes Project 30x 0.00021; ESP Exome Variant Server 0.00023; gnomAD exomes 0.00006; TOPMed 0.00023.
gnomAD v4.1: 65 of 1,613,822 alleles (0.004%); highest among the groups gnomAD compares: African/African-American, 0.067%; no homozygotes.

Submissions (3):

Women's Health and Genetics/Laboratory Corporation of America, LabCorp
Classification: Likely benign. Last evaluated: 2022-03-24. Review status: criteria provided, single submitter. Criteria: LabCorp Variant Classification Summary - May 2015. Collection method: clinical testing. Allele origin: germline.
Comment: Variant summary: SHOX c.577G>A (p.Ala193Thr) results in a non-conservative amino acid change in the encoded protein sequence. Four of five in-silico tools predict a benign effect of the variant on protein function. The variant allele was found at a frequency of 5.6e-05 in 251166 control chromosomes, predominantly at a frequency of 0.00068 within the African or African-American subpopulation in the gnomAD database. The observed variant frequency within African or African-American control individuals in the gnomAD database is approximately above the estimated maximal expected allele frequency for a pathogenic variant in SHOX causing Short Stature phenotype (0.0005), strongly suggesting that the variant is a benign polymorphism found primarily in populations of African or African-American origin. To our knowledge, no occurrence of c.577G>A in individuals affected with Short Stature and no experimental evidence demonstrating its impact on protein function have been reported. One clinical diagnostic laboratory has submitted clinical-significance assessments for this variant to ClinVar after 2014 without evidence for independent evaluation and classified the variant as uncertain significance. Based on the evidence outlined above, the variant was classified as likely benign.

Eurofins Ntd Llc (ga)
Classification: Uncertain significance. Last evaluated: 2016-06-05. Review status: criteria provided, single submitter. Criteria: EGL Classification Definitions 2015. Collection method: clinical testing. Allele origin: germline. Observed: 2 variant alleles, 2 heterozygotes.

Juno Genomics, Hangzhou Juno Genomics, Inc
Classification: Uncertain significance for Langer mesomelic dysplasia syndrome; Leri-Weill dyschondrosteosis; SHOX-related short stature. Review status: criteria provided, single submitter. Criteria: ACMG Guidelines, 2015. Collection method: clinical testing. Allele origin: germline. Affected: yes.
Comment: Absent from controls (or at extremely low frequency if recessive) in Genome Aggregation Database, Exome Sequencing Project, 1000 Genomes Project, or Exome Aggregation Consortium.;Patient's phenotype or family history is highly specific for a disease with a single genetic etiology.